The following is an entry in ClinVar:

NM_001953.5(TYMP):c.1416del (p.Phe473fs)

Genes: SCO2 (synthesis of cytochrome C oxidase 2; minus strand), TYMP (thymidine phosphorylase; minus strand), LOC130067862 (ATAC-STARR-seq lymphoblastoid silent region 13986; plus strand). Cytogenetic location: 22q13.33.
Variant type: Deletion.
Coding change: c.1416del on transcript NM_001953.5 (MANE Select); coding-DNA position 1416, one base deleted (C; older notation c.1416delC).
Protein change: p.Phe473fs; shifts the reading frame from phenylalanine 473.
Molecular consequence: frameshift variant. On other transcripts: intron variant (2).
Genome position (GRCh38, 1-based): chr22:50,525,803, G deleted on the plus strand (C on the coding strand, the reverse complement: TYMP is on the minus strand); the first of 3 consecutive G bases (chr22:50,525,803-50,525,805); deleting any one gives the same sequence. VCF-style (leftmost placement, unchanged base first): chr22-50525802-AG-A. GRCh37 (hg19) VCF-style: chr22-50964231-AG-A.
Other names: c.1416del, p.Phe473fs (NM_001113755.3, NM_001113756.3, NM_001257988.1); c.1431del, p.Phe478fs (NM_001257989.1); c.-14+443del (NM_001169109.2); c.-14+198del (NM_001169110.1); c.1416delC (NM_001953.4); short protein forms F478fs, F473fs.
Identifiers: ClinVar variation 817030 (VCV000817030.8), dbSNP rs1203886148, ClinGen allele CA754072233.

ClinVar aggregate classification (germline): Pathogenic/Likely pathogenic. Review status: criteria provided, multiple submitters, no conflicts (2 of 4 stars). 5 submissions from 5 submitters: Pathogenic (1); Likely pathogenic (4). Last evaluated 2026-03-19.

Conditions:
Mitochondrial neurogastrointestinal encephalomyopathy. Also called: MNGIE syndrome; Thymidine phosphorylase deficiency; Mitochondrial neurogastrointestinal encephalopathy syndrome. Identifiers: Orphanet 298, MedGen C0872218, MONDO:0017575.
Mitochondrial DNA depletion syndrome 1. Also called: Mitochondrial neurogastrointestinal encephalomyopathy syndrome; Mitochondrial DNA Depletion Syndrome, MNGIE Form; Mitochondrial Neurogastrointestinal Encephalopathy Disease; MITOCHONDRIAL NEUROGASTROINTESTINAL ENCEPHALOPATHY SYNDROME, TYMP-RELATED; MNGIE, TYMP-RELATED; Mitochondrial DNA depletion syndrome 1 (MNGIE type). Identifiers: Orphanet 298, MedGen C4551995, MONDO:0011283, OMIM 603041.

Submissions (5):

Myriad Genetics, Inc.
Classification: Likely pathogenic for Mitochondrial DNA depletion syndrome 1. Last evaluated: 2026-03-19. Review status: criteria provided, single submitter. Criteria: Myriad Autosomal Dominant, Autosomal Recessive and X-Linked Classification Criteria (2023). Collection method: clinical testing. Allele origin: unknown.
Comment: NM_001953.4(TYMP):c.1416delC(F473Sfs*?) is a frameshift variant that results in protein elongation classified as likely pathogenic in the context of mitochondrial neurogastrointestinal encephalopathy disease. F473Sfs*? has been observed in cases with relevant disease (PMID: 21412940, Alcantara_2023_(Poster), Giraldo_2014_(Article), Carlos_2020_(Article)). Relevant functional assessments of this variant are not available in the literature. F473Sfs*? has not been observed in referenced population frequency databases. In summary, NM_001953.4(TYMP):c.1416delC(F473Sfs*?) is a frameshift variant that results in protein elongation that has been observed more frequently in cases with the relevant disease than in healthy populations. Please note: this variant was assessed in the context of healthy population screening.

Natera, Inc.
Classification: Likely pathogenic for Mitochondrial neurogastrointestinal encephalomyopathy. Last evaluated: 2024-08-06. Review status: criteria provided, single submitter. Criteria: Natera Variant Classification Schema (03/2026). Collection method: clinical testing. Allele origin: germline.
Comment: The c.1416delC variant in TYMP is a frameshift variant predicted to elongate the protein beyond the termination codon. This variant may result in a truncated or dysfunctional protein product. This variant is rare in the general population with a frequency below the threshold expected for the associated phenotype(s). This variant has been observed in one or more individuals affected with the associated recessive disease, as either homozygous or compound heterozygous with a second variant (PMID: 21412940). Functional studies show that this variant may disrupt protein function (PMID: 21412940). Given the available evidence, this variant is classified as Likely Pathogenic.

Fulgent Genetics
Classification: Likely pathogenic for Mitochondrial DNA depletion syndrome 1. Last evaluated: 2024-03-04. Review status: criteria provided, single submitter. Criteria: ACMG Guidelines, 2015. Collection method: clinical testing. Allele origin: germline.

Labcorp Genetics (formerly Invitae), Labcorp
Classification: Pathogenic. Last evaluated: 2023-03-18. Review status: criteria provided, single submitter. Criteria: Invitae Variant Classification Sherloc (09022015). Collection method: clinical testing. Allele origin: germline.
Comment: This sequence change results in a frameshift in the TYMP gene (p.Phe473Serfs*?). While this is not anticipated to result in nonsense mediated decay, it is expected to disrupt the last 10 amino acid(s) of the TYMP protein and extend the protein by an uncertain number of additional amino acid residues. This variant is not present in population databases (gnomAD no frequency). This frameshift has been observed in individual(s) with mitochondrial neurogastrointestinal encephalomyopathy (PMID: 21412940). This variant is also known as p.F473SfsX41. ClinVar contains an entry for this variant (Variation ID: 817030). Studies have shown that this frameshift alters TYMP gene expression (PMID: 21412940). For these reasons, this variant has been classified as Pathogenic.

GeneDx
Classification: Likely pathogenic. Last evaluated: 2018-12-18. Review status: criteria provided, single submitter. Criteria: GeneDx Variant Classification (06012015). Collection method: clinical testing. Allele origin: germline. Affected: yes.
Comment: The c.1414delC variant has been reported previously in an individual with mitochondrial neurogastrointestinal encephalomyopathy (MNGIE) who was homozygous for this change (Torres-Torronteras et al., 2011). The c.1414delC variant causes a frameshift starting with codon Phenylalanine 473, changes this amino acid to a Serine residue and is expected to extend the open reading frame to an unknown length, denoted p.Phe473SerfsX?. Other frameshift variants, including one downstream of c.1414delC, have been reported in the Human Gene Mutation Database in individuals with MNGIE (Stenson et al., 2014). Furthermore, the c.1414delC variant is not observed in large population cohorts (Lek et al., 2016). Therefore, this variant is likely pathogenic; however, the possibility that it is benign cannot be excluded.

Literature cited by the submitters: PubMed 21412940 (cited by Natera, Inc. and Labcorp Genetics (formerly Invitae), Labcorp).